The following is an entry in ClinVar:

NM_001004334.4(GPR179):c.416del (p.Glu139fs)

Gene: GPR179 (G protein-coupled receptor 179; minus strand). Cytogenetic location: 17q12.
Variant type: Deletion.
Coding change: c.416del on transcript NM_001004334.4 (MANE Select); coding-DNA position 416, one base deleted (A; older notation c.416delA).
Protein change: p.Glu139fs; shifts the reading frame from glutamic acid 139.
Molecular consequence: frameshift variant.
Genome position (GRCh38, 1-based): chr17:38,343,374, T deleted on the plus strand (A on the coding strand, the reverse complement: GPR179 is on the minus strand). VCF-style (leftmost placement, unchanged base first): chr17-38343373-CT-C. GRCh37 (hg19) VCF-style: chr17-36499256-CT-C.
Other names: short protein forms E139fs.
Identifiers: ClinVar variation 2054441 (VCV002054441.4), dbSNP rs1567728609, ClinGen allele CA919836152.

ClinVar aggregate classification (germline): Pathogenic (1 of 4 stars; one submission).

Allele frequency attached by ClinVar (database versions not stated): gnomAD exomes below 0.00001; TOPMed below 0.00001.

Submission:

Labcorp Genetics (formerly Invitae), Labcorp
Classification: Pathogenic. Last evaluated: 2022-06-20. Review status: criteria provided, single submitter. Criteria: Invitae Variant Classification Sherloc (09022015). Collection method: clinical testing. Allele origin: germline.
Comment: Algorithms developed to predict the effect of sequence changes on RNA splicing suggest that this variant may create or strengthen a splice site. For these reasons, this variant has been classified as Pathogenic. This variant has not been reported in the literature in individuals affected with GPR179-related conditions. This variant is present in population databases (no rsID available, gnomAD 0.003%). This sequence change creates a premature translational stop signal (p.Glu139Glyfs*11) in the GPR179 gene. It is expected to result in an absent or disrupted protein product. Loss-of-function variants in GPR179 are known to be pathogenic (PMID: 22325361, 22325362).

Literature cited by the submitters: PubMed 22325361; PubMed 22325362.